The following is an entry in ClinVar:

ClinVar aggregate classification (germline): Conflicting classifications of pathogenicity. Review status: criteria provided, conflicting classifications (1 of 4 stars). 2 submissions from 2 submitters: Likely pathogenic (1); Uncertain significance (1). Last evaluated 2025-06-27.

Conditions:
HYPERHOMOCYSTEINEMIA, THROMBOTIC, CBS-RELATED. Identifiers: MedGen C3150344, OMIM 236200.

Submissions (2):

Labcorp Genetics (formerly Invitae), Labcorp
Classification: Likely pathogenic for HYPERHOMOCYSTEINEMIA, THROMBOTIC, CBS-RELATED. Last evaluated: 2025-06-27. Review status: criteria provided, single submitter. Criteria: Invitae Variant Classification Sherloc (09022015). Collection method: clinical testing. Allele origin: germline.
Comment: This sequence change replaces aspartic acid, which is acidic and polar, with asparagine, which is neutral and polar, at codon 120 of the CBS protein (p.Asp120Asn). This variant is present in population databases (no rsID available, gnomAD 0.004%). This variant has not been reported in the literature in individuals affected with CBS-related conditions. ClinVar contains an entry for this variant (Variation ID: 3767767). Invitae Evidence Modeling of protein sequence and biophysical properties (such as structural, functional, and spatial information, amino acid conservation, physicochemical variation, residue mobility, and thermodynamic stability) indicates that this missense variant is expected to disrupt CBS protein function with a positive predictive value of 95%. This variant disrupts the p.Asp120 amino acid residue in CBS. Other variant(s) that disrupt this residue have been determined to be pathogenic (internal data). This suggests that this residue is clinically significant, and that variants that disrupt this residue are likely to be disease-causing. In summary, the currently available evidence indicates that the variant is pathogenic, but additional data are needed to prove that conclusively. Therefore, this variant has been classified as Likely Pathogenic.

GeneDx
Classification: Uncertain significance. Last evaluated: 2024-09-05. Review status: criteria provided, single submitter. Criteria: GeneDx Variant Classification Process June 2021. Collection method: clinical testing. Allele origin: germline. Affected: yes.
Comment: Has not been previously published as pathogenic or benign to our knowledge; Not observed at significant frequency in large population cohorts (gnomAD); In silico analysis supports that this missense variant has a deleterious effect on protein structure/function

NM_000071.3(CBS):c.358G>A (p.Asp120Asn)

Gene: CBS (cystathionine beta-synthase; minus strand). Cytogenetic location: 21q22.3.
Variant type: single nucleotide variant.
Coding change: c.358G>A on transcript NM_000071.3 (MANE Select); coding-DNA position 358, G replaced by A.
Protein change: p.Asp120Asn; replaces aspartic acid 120 with asparagine.
Molecular consequence: missense variant.
Genome position (GRCh38, 1-based): chr21:43,066,336, C>T on the plus strand (G>A on the coding strand, the complement: CBS is on the minus strand). VCF-style: chr21-43066336-C-T. GRCh37 (hg19) VCF-style: chr21-44486446-C-T.
Other names: c.358G>A, p.Asp120Asn (NM_001178008.3, NM_001178009.3, NM_001320298.2); c.43G>A, p.Asp15Asn (NM_001321072.1); short protein forms D120N, D15N.
Identifiers: ClinVar variation 3767767 (VCV003767767.2).
Genomic context (GRCh38, chr21:43,066,336, plus strand): 5'-CCCCGGGCTTCAGCGTCCCGTCGCGCTCAGCATCCTCAATCATCCGCAGGCTGATGCGGT[C>T]CTTCACGCTCCCGCCCGCGTTGAAGAACTCACACTTGGCCACTGGGAGGCAGAGATGAAT-3'
Protein context (NP_000062.1, residues 110-130): EFFNAGGSVK[Asp120Asn]RISLRMIEDA